The following is an entry in ClinVar:

ClinVar aggregate classification (germline): Uncertain significance. Review status: criteria provided, multiple submitters, no conflicts (2 of 4 stars). 2 submissions from 2 submitters: Uncertain significance (2). Last evaluated 2025-12-08.

Conditions:
Cardiovascular phenotype. Identifiers: MedGen CN230736.

Allele frequency attached by ClinVar (database versions not stated): ExAC 0.00001.
gnomAD v4.1: 15 of 1,614,018 alleles (0.00093%); highest among the groups gnomAD compares: Admixed American, 0.0017%; no homozygotes.

Submissions (2):

Ambry Genetics
Classification: Uncertain significance for Cardiovascular phenotype. Last evaluated: 2025-12-08. Review status: criteria provided, single submitter. Criteria: Ambry Variant Classification Scheme 2023. Collection method: clinical testing. Allele origin: germline.
Comment: The p.G292A variant (also known as c.875G>C), located in coding exon 6 of the FKTN gene, results from a G to C substitution at nucleotide position 875. The glycine at codon 292 is replaced by alanine, an amino acid with similar properties. This amino acid position is well conserved in available vertebrate species. In addition, the in silico prediction for this alteration is inconclusive. Based on the available evidence, the clinical significance of this variant remains unclear.

Revvity Omics, Revvity
Classification: Uncertain significance. Last evaluated: 2023-07-24. Review status: criteria provided, single submitter. Criteria: ACMG Guidelines, 2015. Collection method: clinical testing. Allele origin: germline.

NM_001079802.2(FKTN):c.875G>C (p.Gly292Ala)

Gene: FKTN (fukutin; plus strand). Cytogenetic location: 9q31.2.
Variant type: single nucleotide variant.
Coding change: c.875G>C on transcript NM_001079802.2 (MANE Select); coding-DNA position 875, G replaced by C.
Protein change: p.Gly292Ala; replaces glycine 292 with alanine.
Molecular consequence: missense variant. On other transcripts: non-coding transcript variant (1).
Genome position (GRCh38, 1-based): chr9:105,615,372, G>C. VCF-style: chr9-105615372-G-C. GRCh37 (hg19) VCF-style: chr9-108377653-G-C.
Other names: c.875G>C, p.Gly292Ala (NM_006731.2, NM_001198963.2, NM_001351496.2 and 1 more transcripts); c.806G>C, p.Gly269Ala (NM_001351497.2); c.479G>C, p.Gly160Ala (NM_001351499.2, NM_001351500.2, NM_001351501.2 and 1 more transcripts); short protein forms G160A, G269A, G292A.
Identifiers: ClinVar variation 2689068 (VCV002689068.3), dbSNP rs781664273, ClinGen allele CA5170510.
Genomic context (GRCh38, chr9:105,615,372, plus strand): 5'-CCTTTCGGAAGAGTGCAAAGGAATTACTGCAACTAGCAGCGAAAACATTAAACAAATTGG[G>C]AGTACCATTCTGGCTGAGCAGTGGAACTTGTCTAGGTAAAATTCTTACGACTTTCCATTT-3'
Protein context (NP_001073270.1, residues 282-302): QLAAKTLNKL[Gly292Ala]VPFWLSSGTC